The following is an entry in ClinVar:

NM_001048174.2(MUTYH):c.87C>T (p.Asn29=)

Gene: MUTYH (mutY DNA glycosylase; minus strand). Cytogenetic location: 1p34.1.
Variant type: single nucleotide variant.
Coding change: c.87C>T on transcript NM_001048174.2 (MANE Select); coding-DNA position 87, C replaced by T.
Protein change: p.Asn29=; no amino-acid change (asparagine 29 retained).
Molecular consequence: synonymous variant. On other transcripts: 5 prime UTR variant (4), non-coding transcript variant (2).
Genome position (GRCh38, 1-based): chr1:45,334,419, G>A on the plus strand (C>T on the coding strand, the complement: MUTYH is on the minus strand). VCF-style: chr1-45334419-G-A. GRCh37 (hg19) VCF-style: chr1-45800091-G-A.
Other names: c.87C>T, p.Asn29= (NM_001048171.2, NM_001048172.2, NM_001048173.2 and 2 more transcripts); c.129C>T, p.Asn43= (NM_001128425.2, NM_001293190.2, NM_012222.3); c.-126C>T (NM_001293192.2, NM_001293196.2); c.-185C>T (NM_001350650.2); c.-121C>T (NM_001350651.2).
Identifiers: ClinVar variation 183816 (VCV000183816.50), dbSNP rs141679570, ClinGen allele CA012520.

ClinVar aggregate classification (germline): Conflicting classifications of pathogenicity. Review status: criteria provided, conflicting classifications (1 of 4 stars). 13 submissions from 13 submitters: Uncertain significance (1); Benign (1); Likely benign (7). 4 of the submissions do not count toward it. Last evaluated 2026-01-21.

Conditions:
MUTYH-related disorder. Also called: MUTYH-related condition; MUTYH-related disorders.
Hereditary cancer-predisposing syndrome. Also called: Tumor predisposition; Neoplastic Syndromes, Hereditary; Hereditary neoplastic syndrome; Hereditary Cancer Syndrome. Identifiers: Orphanet 140162, MedGen C0027672, MeSH D009386, MONDO:0015356.
Familial adenomatous polyposis 2. Also called: MUTYH-related attenuated familial adenomatous polyposis; MUTYH-associated polyposis; MUTYH Polyposis; COLORECTAL ADENOMATOUS POLYPOSIS, AUTOSOMAL RECESSIVE; ADENOMAS, MULTIPLE COLORECTAL, AUTOSOMAL RECESSIVE; MYH-associated polyposis. Identifiers: Orphanet 220460, Orphanet 247798, MedGen C3272841, MONDO:0012041, OMIM 608456.

Allele frequency attached by ClinVar (database versions not stated): TOPMed 0.00006; ESP Exome Variant Server 0.00008; ExAC 0.00002; gnomAD 0.00004.
gnomAD v4.1: 123 of 1,614,048 alleles (0.0076%); highest among the groups gnomAD compares: Non-Finnish European, 0.0097%; no homozygotes.

Submissions (13):

Labcorp Genetics (formerly Invitae), Labcorp
Classification: Likely benign for Familial adenomatous polyposis 2. Last evaluated: 2026-01-21. Review status: criteria provided, single submitter. Criteria: Invitae Variant Classification Sherloc (09022015). Collection method: clinical testing. Allele origin: germline.

Molecular Diagnostics Laboratory, Catalan Institute of Oncology
Classification: Likely benign for Hereditary cancer-predisposing syndrome. Last evaluated: 2025-03-27. Review status: criteria provided, single submitter. Criteria: ACMG Guidelines, 2015. Collection method: clinical testing. Allele origin: germline.
Comment: PM2_Supporting, BP4, BP7 c.129C>T,located in exon2of theMUTYHgene,ispredicted to result in no amino acid change, p.(Asn43=)+R15(BP7). This variant is found in 4/268350 in the gnomAD v2.1.1 database (non-cancer data set)(PM2_Supporting). The SpliceAI algorithm predicts no significant impact on splicing for the variant and its isoforms (BP4). To our knowledge, functional studies have not been reported for this variant. This variant has been identified in ClinVar database(2x benign, 8x likely benign, 2x uncertain significance) but is not present in LOVD database. Based on currently available information, the variant c.129C>T is classified as a likely benign variant according to ACMG guidelines.

Center for Genomic Medicine, Rigshospitalet, Copenhagen University Hospital
Classification: Likely benign. Last evaluated: 2025-03-04. Review status: criteria provided, single submitter. Criteria: ACMG Guidelines, 2015. Collection method: clinical testing. Allele origin: germline.

Quest Diagnostics Nichols Institute San Juan Capistrano
Classification: Uncertain significance. Last evaluated: 2024-10-31. Review status: criteria provided, single submitter. Criteria: Quest Diagnostics criteria. Collection method: clinical testing. Allele origin: unknown.
Comment: The MUTYH c.129C>T (p.Asn43=) synonymous variant has not been reported in individuals with MUTYH-related conditions in the published literature. The frequency of this variant in the general population, 0.000014 (4/282888 chromosomes (Genome Aggregation Database)), is uninformative in the assessment of its pathogenicity. Analysis of this variant using software algorithms for the prediction of the effect of nucleotide changes on splicing yielded predictions that this variant does not affect MUTYH mRNA splicing. Based on the available information, we are unable to determine the clinical significance of this variant.

All of Us Research Program, National Institutes of Health
Classification: Likely benign for Familial adenomatous polyposis 2. Last evaluated: 2024-01-11. Review status: criteria provided, single submitter. Criteria: ACMG Guidelines, 2015. Collection method: clinical testing. Allele origin: germline. Inheritance: Autosomal recessive inheritance. Observed: 15 variant alleles, 15 heterozygotes.
Comment: This study involves interpretation of variants in research participants for the purpose of population health screening. Participant phenotype was not available at the time of variant classification. Additional details can be found in publication PMID: 35346344, PMCID: PMC8962531

Women's Health and Genetics/Laboratory Corporation of America, LabCorp
Classification: Likely benign. Last evaluated: 2020-04-23. Review status: criteria provided, single submitter. Criteria: LabCorp Variant Classification Summary - May 2015. Collection method: clinical testing. Allele origin: germline.

Color Diagnostics, LLC DBA Color Health
Classification: Likely benign for Hereditary cancer-predisposing syndrome. Last evaluated: 2016-06-23. Review status: criteria provided, single submitter. Criteria: ACMG Guidelines, 2015. Collection method: clinical testing. Allele origin: germline.

GeneDx
Classification: Benign. Last evaluated: 2015-03-03. Review status: criteria provided, single submitter. Criteria: GeneDx Variant Classification Process June 2021. Collection method: clinical testing. Allele origin: germline. Affected: yes.

Ambry Genetics
Classification: Likely benign for Hereditary cancer-predisposing syndrome. Last evaluated: 2014-07-07. Review status: criteria provided, single submitter. Criteria: Ambry Variant Classification Scheme 2023. Collection method: clinical testing. Allele origin: germline.

PreventionGenetics, part of Exact Sciences
Classification: Likely benign for MUTYH-related condition. Last evaluated: 2019-07-12. Review status: no assertion criteria provided. Collection method: clinical testing. Allele origin: germline. Not counted in ClinVar's aggregate classification.
Comment: This variant is classified as likely benign based on ACMG/AMP sequence variant interpretation guidelines (Richards et al. 2015 PMID: 25741868, with internal and published modifications).

True Health Diagnostics
Classification: Likely benign for Hereditary cancer-predisposing syndrome. Last evaluated: 2017-10-11. Review status: no assertion criteria provided. Collection method: clinical testing. Allele origin: germline. Not counted in ClinVar's aggregate classification.

Counsyl
Classification: Likely benign for Familial adenomatous polyposis 2. Last evaluated: 2016-09-16. Review status: no assertion criteria provided. Collection method: clinical testing. Allele origin: unknown. Not counted in ClinVar's aggregate classification.

Department of Pathology and Laboratory Medicine, Sinai Health System
Classification: Uncertain significance. Review status: no assertion criteria provided. Collection method: clinical testing. Allele origin: unknown. Affected: yes. Study: The Canadian Open Genetics Repository (COGR). Not counted in ClinVar's aggregate classification.